The following is an entry in ClinVar:

NM_005324.5(H3-3B):c.50C>A (p.Pro17His)

Gene: H3-3B (H3.3 histone B; minus strand). Cytogenetic location: 17q25.1.
Variant type: single nucleotide variant.
Coding change: c.50C>A on transcript NM_005324.5 (MANE Select); coding-DNA position 50, C replaced by A.
Protein change: p.Pro17His; replaces proline 17 with histidine.
Molecular consequence: missense variant.
Genome position (GRCh38, 1-based): chr17:75,779,125, G>T on the plus strand (C>A on the coding strand, the complement: H3-3B is on the minus strand). VCF-style: chr17-75779125-G-T. GRCh37 (hg19) VCF-style: chr17-73775206-G-T.
Other names: short protein forms P17H.
Identifiers: ClinVar variation 3376745 (VCV003376745.1).

ClinVar aggregate classification (germline): Uncertain significance (1 of 4 stars; one submission).

Conditions:
Bryant-Li-Bhoj neurodevelopmental syndrome 2 (BRYLIB2). Also called: H3-3B syndrome. Identifiers: MedGen C5676906, MONDO:0030607, OMIM 619721. Disease mechanism: loss of function.

Submission:

Victorian Clinical Genetics Services, Murdoch Childrens Research Institute
Classification: Uncertain significance for Bryant-Li-Bhoj neurodevelopmental syndrome 2. Last evaluated: 2023-07-17. Review status: criteria provided, single submitter. Criteria: ACMG Guidelines, 2015. Collection method: clinical testing. Allele origin: germline. Inheritance: Autosomal dominant inheritance. Affected: yes.
Comment: Based on the classification scheme VCGS_Germline_v1.3.4, this variant is classified as VUS-3A. Following criteria are met: 0105 - The mechanism of disease for this gene is not clearly established. (I) 0107 - This gene is associated with autosomal dominant disease. (I) 0200 - Variant is predicted to result in a missense amino acid change from proline to histidine. (I) 0251 - This variant is heterozygous. (I) 0301 - Variant is absent from gnomAD (both v2 and v3). (SP) 0502 - Missense variant with conflicting in silico predictions and uninformative conservation. (I) 0603 - Missense variant in a region that is highly intolerant to missense variation (high constraint region in DECIPHER). (SP) 0705 - No comparable missense variants have previous evidence for pathogenicity. (I) 0807 - This variant has no previous evidence of pathogenicity. (I) 0905 - No published segregation evidence has been identified for this variant. (I) 1007 - No published functional evidence has been identified for this variant. (I) 1208 - Inheritance information for this variant is not currently available in this individual. (I) Legend: (SP) - Supporting pathogenic, (I) - Information, (SB) - Supporting benign